The following is an entry in ClinVar:

ClinVar aggregate classification (germline): Likely benign. Review status: criteria provided, multiple submitters, no conflicts (2 of 4 stars). 3 submissions from 3 submitters: Likely benign (2). 1 of the submissions does not count toward it. Last evaluated 2025-05-30.

Conditions:
Osteogenesis imperfecta type I (OI1). Also called: Osteogenesis imperfecta type 1; Lobstein's Disease; OI, TYPE I; OSTEOGENESIS IMPERFECTA TARDA; OSTEOGENESIS IMPERFECTA WITH BLUE SCLERAE; Lobstein disease. Identifiers: Orphanet 216796, Orphanet 666, MedGen C0023931, MONDO:0008146, OMIM 166200. Disease mechanism: loss of function.
Ehlers-Danlos syndrome, classic type, 1 (EDSCL1). Also called: Ehlers-Danlos Syndrome, Classic Type, COL5A1-Related; EDS I; Ehlers-Danlos syndrome, type 1; EHLERS-DANLOS SYNDROME, GRAVIS TYPE; EHLERS-DANLOS SYNDROME, SEVERE CLASSIC TYPE. Identifiers: MedGen C0268335, MONDO:0019567, OMIM 130000.
COL1A2-related disorder. Also called: COL1A2-related condition; COL1A2-Related Disorders.

Allele frequency attached by ClinVar (database versions not stated): gnomAD 0.00003.
gnomAD v4.1: 21 of 1,313,632 alleles (0.0016%); highest among the groups gnomAD compares: Non-Finnish European, 0.0021%; no homozygotes.

Submissions (3):

Labcorp Genetics (formerly Invitae), Labcorp
Classification: Likely benign for Osteogenesis imperfecta type I; Ehlers-Danlos syndrome, classic type, 1. Last evaluated: 2025-05-30. Review status: criteria provided, single submitter. Criteria: Invitae Variant Classification Sherloc (09022015). Collection method: clinical testing. Allele origin: germline.

Blueprint Genetics
Classification: Likely benign. Last evaluated: 2024-06-19. Review status: criteria provided, single submitter. Criteria: ACMG Guidelines, 2015. Collection method: clinical testing. Allele origin: germline.

PreventionGenetics, part of Exact Sciences
Classification: Likely benign for COL1A2-related condition. Last evaluated: 2023-11-30. Review status: no assertion criteria provided. Collection method: clinical testing. Allele origin: germline. Not counted in ClinVar's aggregate classification.
Comment: This variant is classified as likely benign based on ACMG/AMP sequence variant interpretation guidelines (Richards et al. 2015 PMID: 25741868, with internal and published modifications).

NM_000089.4(COL1A2):c.81+10A>G

Gene: COL1A2 (collagen type I alpha 2 chain; plus strand). Cytogenetic location: 7q21.3.
Variant type: single nucleotide variant.
Coding change: c.81+10A>G on transcript NM_000089.4 (MANE Select); 10 bases into the intron after coding-DNA position 81, A replaced by G.
Molecular consequence: intron variant.
Genome position (GRCh38, 1-based): chr7:94,397,768, A>G. VCF-style: chr7-94397768-A-G. GRCh37 (hg19) VCF-style: chr7-94027080-A-G.
Other names: c.81+10A>G (NM_000089.3).
Identifiers: ClinVar variation 1544137 (VCV001544137.11), dbSNP rs750283092, ClinGen allele CA4346457.